The following is an entry in ClinVar:

ClinVar aggregate classification (germline): Uncertain significance. Review status: criteria provided, multiple submitters, no conflicts (2 of 4 stars). 6 submissions from 6 submitters: Uncertain significance (6). Last evaluated 2025-12-26.

Conditions:
Hereditary cancer-predisposing syndrome. Also called: Neoplastic Syndromes, Hereditary; Hereditary neoplastic syndrome; Hereditary Cancer Syndrome; Tumor predisposition. Identifiers: Orphanet 140162, MedGen C0027672, MeSH D009386, MONDO:0015356.
Mandibular hypoplasia-deafness-progeroid syndrome. Also called: Mandibular hypoplasia, deafness, progeroid features, and lipodystrophy syndrome. Identifiers: Orphanet 363649, MedGen C3715192, MONDO:0014157, OMIM 615381.
POLD1-related polyposis and colorectal cancer syndrome (CRCS10). Also called: Colorectal cancer, susceptibility to, 10; Colorectal cancer 10; COLORECTAL CANCER, SUSCEPTIBILITY TO, ON CHROMOSOME 19q. Identifiers: Orphanet 220460, MedGen C2675481, MONDO:0012953, OMIM 612591.

Allele frequency attached by ClinVar (database versions not stated): gnomAD exomes below 0.00001 and 0.00001; ExAC 0.00001; TOPMed 0.00003; gnomAD 0.00005.
gnomAD v4.1: 14 of 1,613,532 alleles (0.00087%); highest among the groups gnomAD compares: African/African-American, 0.013%; no homozygotes.

Submissions (6):

Labcorp Genetics (formerly Invitae), Labcorp
Classification: Uncertain significance for POLD1-related polyposis and colorectal cancer syndrome. Last evaluated: 2025-12-26. Review status: criteria provided, single submitter. Criteria: Invitae Variant Classification Sherloc (09022015). Collection method: clinical testing. Allele origin: germline.
Comment: This sequence change replaces alanine, which is neutral and non-polar, with valine, which is neutral and non-polar, at codon 536 of the POLD1 protein (p.Ala536Val). This variant is present in population databases (rs779735891, gnomAD 0.02%). This variant has not been reported in the literature in individuals affected with POLD1-related conditions. ClinVar contains an entry for this variant (Variation ID: 408003). Invitae Evidence Modeling of protein sequence and biophysical properties (such as structural, functional, and spatial information, amino acid conservation, physicochemical variation, residue mobility, and thermodynamic stability) indicates that this missense variant is expected to disrupt POLD1 protein function with a positive predictive value of 80%. In summary, the available evidence is currently insufficient to determine the role of this variant in disease. Therefore, it has been classified as a Variant of Uncertain Significance.

St. Jude Molecular Pathology, St. Jude Children's Research Hospital
Classification: Uncertain significance for POLD1-related polyposis and colorectal cancer syndrome. Last evaluated: 2024-08-24. Review status: criteria provided, single submitter. Criteria: St. Jude Assertion Criteria 2020. Collection method: clinical testing. Allele origin: germline.
Comment: The POLD1 c.1607C>T (p.Ala536Val) missense change has a maximum subpopulation frequency of 0.016% in gnomAD v2.1.1. The in silico tool REVEL is inconclusive about a pathogenic or benign effect of this variant on protein function, and to our knowledge, functional studies have not been performed. This variant has been identified in tumors with high and low mutational burdens (PMID: 29056344). To our knowledge, this variant has not been reported in the literature in individuals with POLD1-associated conditions. In summary, the evidence currently available is insufficient to determine the clinical significance of this variant. It has therefore been classified as of uncertain significance.

Ambry Genetics
Classification: Uncertain significance for Hereditary cancer-predisposing syndrome. Last evaluated: 2024-05-17. Review status: criteria provided, single submitter. Criteria: Ambry Variant Classification Scheme 2023. Collection method: clinical testing. Allele origin: germline.
Comment: The p.A536V variant (also known as c.1607C>T), located in coding exon 12 of the POLD1 gene, results from a C to T substitution at nucleotide position 1607. The alanine at codon 536 is replaced by valine, an amino acid with similar properties. This amino acid position is highly conserved in available vertebrate species. In addition, the in silico prediction for this alteration is inconclusive. Since supporting evidence is limited at this time, the clinical significance of this alteration remains unclear.

Baylor Genetics
Classification: Uncertain significance for POLD1-related polyposis and colorectal cancer syndrome. Last evaluated: 2024-03-12. Review status: criteria provided, single submitter. Criteria: ACMG Guidelines, 2015. Collection method: clinical testing. Allele origin: unknown.

GeneDx
Classification: Uncertain significance. Last evaluated: 2023-10-09. Review status: criteria provided, single submitter. Criteria: GeneDx Variant Classification Process June 2021. Collection method: clinical testing. Allele origin: germline. Affected: yes.
Comment: Not observed at significant frequency in large population cohorts (gnomAD); In silico analysis supports that this missense variant has a deleterious effect on protein structure/function; Has not been previously published as pathogenic or benign to our knowledge; In silico analysis suggests this variant may impact gene splicing. In the absence of RNA/functional studies, the actual effect of this sequence change is unknown.; This variant is associated with the following publications: (PMID: 23525077)

Revvity Omics, Revvity
Classification: Uncertain significance for Mandibular hypoplasia-deafness-progeroid syndrome. Last evaluated: 2019-10-16. Review status: criteria provided, single submitter. Criteria: ACMG Guidelines, 2015. Collection method: clinical testing. Allele origin: germline.

NM_002691.4(POLD1):c.1607C>T (p.Ala536Val)

Gene: POLD1 (DNA polymerase delta 1, catalytic subunit; plus strand). Cytogenetic location: 19q13.33.
Variant type: single nucleotide variant.
Coding change: c.1607C>T on transcript NM_002691.4 (MANE Select); coding-DNA position 1607, C replaced by T.
Protein change: p.Ala536Val; replaces alanine 536 with valine.
Molecular consequence: missense variant. On other transcripts: non-coding transcript variant (1).
Genome position (GRCh38, 1-based): chr19:50,407,095, C>T. VCF-style: chr19-50407095-C-T. GRCh37 (hg19) VCF-style: chr19-50910352-C-T.
Other names: c.1607C>T, p.Ala536Val (NM_001256849.1, NM_001308632.1); short protein forms A536V.
Identifiers: ClinVar variation 408003 (VCV000408003.21), dbSNP rs779735891, ClinGen allele CA9596187.
Genomic context (GRCh38, chr19:50,407,095, plus strand): 5'-CCTACCTGCCACTGCGGCTGCTGGAGCGGCTCATGGTGCTGGTGAACGCCGTGGAGATGG[C>T]GAGGGTCACTGGCGTGCCCCTCAGCTACCTGCTCAGTCGTGGCCAGCAGGTCAAGGTCGT-3'
Protein context (NP_002682.2, residues 526-546): LMVLVNAVEM[Ala536Val]RVTGVPLSYL